The following is an entry in ClinVar:

NM_206933.4(USH2A):c.10373C>T (p.Thr3458Met)

Gene: USH2A (usherin; minus strand). Cytogenetic location: 1q41.
Variant type: single nucleotide variant.
Coding change: c.10373C>T on transcript NM_206933.4 (MANE Select); coding-DNA position 10373, C replaced by T.
Protein change: p.Thr3458Met; replaces threonine 3458 with methionine.
Molecular consequence: missense variant.
Genome position (GRCh38, 1-based): chr1:215,786,684, G>A on the plus strand (C>T on the coding strand, the complement: USH2A is on the minus strand). VCF-style: chr1-215786684-G-A. GRCh37 (hg19) VCF-style: chr1-215960026-G-A.
Other names: short protein forms T3458M.
Identifiers: ClinVar variation 866029 (VCV000866029.8), dbSNP rs149485593, ClinGen allele CA1394046.

ClinVar aggregate classification (germline): Uncertain significance. Review status: criteria provided, multiple submitters, no conflicts (2 of 4 stars). 5 submissions from 4 submitters: Uncertain significance (4). 1 of the submissions does not count toward it. Last evaluated 2024-10-04.

Conditions:
Retinitis pigmentosa 39 (RP39). Identifiers: Orphanet 791, MedGen C3151138, MONDO:0013436, OMIM 613809.
Usher syndrome type 2A. Also called: RETINAL DISEASE IN USHER SYNDROME TYPE IIA, MODIFIER OF; USHER SYNDROME, TYPE IIA. Identifiers: Orphanet 231178, Orphanet 886, MedGen C1848634, MONDO:0010169, OMIM 276901.

Allele frequency attached by ClinVar (database versions not stated): ExAC 0.00001; gnomAD exomes 0.00001 and 0.00004; TOPMed 0.00003; ESP Exome Variant Server 0.00008.
gnomAD v4.1: 76 of 1,613,854 alleles (0.0047%); highest among the groups gnomAD compares: South Asian, 0.0066%; no homozygotes.

Submissions (5):

Labcorp Genetics (formerly Invitae), Labcorp
Classification: Uncertain significance. Last evaluated: 2024-10-04. Review status: criteria provided, single submitter. Criteria: Invitae Variant Classification Sherloc (09022015). Collection method: clinical testing. Allele origin: germline.
Comment: This sequence change replaces threonine, which is neutral and polar, with methionine, which is neutral and non-polar, at codon 3458 of the USH2A protein (p.Thr3458Met). This variant is present in population databases (rs149485593, gnomAD 0.004%). This variant has not been reported in the literature in individuals affected with USH2A-related conditions. ClinVar contains an entry for this variant (Variation ID: 866029). Invitae Evidence Modeling of protein sequence and biophysical properties (such as structural, functional, and spatial information, amino acid conservation, physicochemical variation, residue mobility, and thermodynamic stability) indicates that this missense variant is not expected to disrupt USH2A protein function with a negative predictive value of 95%. In summary, the available evidence is currently insufficient to determine the role of this variant in disease. Therefore, it has been classified as a Variant of Uncertain Significance.

Genome-Nilou Lab
Classification: Uncertain significance for Retinitis pigmentosa 39. Last evaluated: 2023-11-04. Review status: criteria provided, single submitter. Criteria: ACMG Guidelines, 2015. Collection method: clinical testing. Allele origin: germline. Affected: no.

Genome-Nilou Lab
Classification: Uncertain significance for Usher syndrome type 2A. Last evaluated: 2023-11-04. Review status: criteria provided, single submitter. Criteria: ACMG Guidelines, 2015. Collection method: clinical testing. Allele origin: germline. Affected: no.

Blueprint Genetics
Classification: Uncertain significance. Last evaluated: 2022-06-24. Review status: criteria provided, single submitter. Criteria: ACMG Guidelines, 2015. Collection method: clinical testing. Allele origin: germline.

Natera, Inc.
Classification: Uncertain significance for Usher syndrome type 2A. Last evaluated: 2020-09-22. Review status: no assertion criteria provided. Collection method: clinical testing. Allele origin: germline. Not counted in ClinVar's aggregate classification.